The following is an entry in ClinVar:

ClinVar aggregate classification (germline): Likely benign (1 of 4 stars; one submission).

Allele frequency attached by ClinVar (database versions not stated): gnomAD 0.00001; gnomAD exomes 0.00001; ExAC 0.00003; TOPMed 0.00003; ESP Exome Variant Server 0.00015.
gnomAD v4.1: 19 of 1,568,214 alleles (0.0012%); highest among the groups gnomAD compares: Non-Finnish European, 0.0017%; no homozygotes.

Submission:

CeGaT Center for Human Genetics Tuebingen
Classification: Likely benign. Last evaluated: 2023-03-01. Review status: criteria provided, single submitter. Criteria: CeGaT Center For Human Genetics Tuebingen Variant Classification Criteria Version 2. Collection method: clinical testing. Allele origin: germline. Affected: yes. Observed: 1 variant allele.
Comment: GRIA4: PP3, BS1

NM_000829.4(GRIA4):c.662T>C (p.Ile221Thr)

Gene: GRIA4 (glutamate ionotropic receptor AMPA type subunit 4; plus strand). Cytogenetic location: 11q22.3.
Variant type: single nucleotide variant.
Coding change: c.662T>C on transcript NM_000829.4 (MANE Select); coding-DNA position 662, T replaced by C.
Protein change: p.Ile221Thr; replaces isoleucine 221 with threonine.
Molecular consequence: missense variant. On other transcripts: non-coding transcript variant (1).
Genome position (GRCh38, 1-based): chr11:105,862,198, T>C. VCF-style: chr11-105862198-T-C. GRCh37 (hg19) VCF-style: chr11-105732924-T-C.
Other names: c.662T>C, p.Ile221Thr (NM_001077243.3, NM_001077244.2, NM_001112812.2); short protein forms I221T.
Identifiers: ClinVar variation 2642335 (VCV002642335.24), dbSNP rs143033087, ClinGen allele CA6258441.